The following is an entry in ClinVar:

NM_032043.3(BRIP1):c.3304G>A (p.Asp1102Asn)

Gene: BRIP1 (BRCA1 interacting DNA helicase 1; minus strand). Cytogenetic location: 17q23.2.
Variant type: single nucleotide variant.
Coding change: c.3304G>A on transcript NM_032043.3 (MANE Select); coding-DNA position 3304, G replaced by A.
Protein change: p.Asp1102Asn; replaces aspartic acid 1102 with asparagine.
Molecular consequence: missense variant.
Genome position (GRCh38, 1-based): chr17:61,683,742, C>T on the plus strand (G>A on the coding strand, the complement: BRIP1 is on the minus strand). VCF-style: chr17-61683742-C-T. GRCh37 (hg19) VCF-style: chr17-59761103-C-T.
Other names: short protein forms D1102N.
Identifiers: ClinVar variation 483151 (VCV000483151.6), dbSNP rs1350551922, ClinGen allele CA400479021.

ClinVar aggregate classification (germline): Uncertain significance. Review status: criteria provided, multiple submitters, no conflicts (2 of 4 stars). 2 submissions from 2 submitters: Uncertain significance (2). Last evaluated 2025-12-01.

Conditions:
Fanconi anemia complementation group J. Also called: BRIP1-Related Fanconi Anemia. Identifiers: Orphanet 84, MedGen C1836860, MONDO:0012187, OMIM 609054.
Familial cancer of breast. Also called: BREAST CANCER, FAMILIAL; Hereditary breast cancer; hereditary breast carcinoma. Identifiers: Orphanet 227535, MedGen C0346153, MONDO:0016419, OMIM 114480. Disease mechanism: loss of function.
Hereditary cancer-predisposing syndrome. Also called: Hereditary neoplastic syndrome; Neoplastic Syndromes, Hereditary; Tumor predisposition; Hereditary Cancer Syndrome. Identifiers: Orphanet 140162, MedGen C0027672, MeSH D009386, MONDO:0015356.

Allele frequency attached by ClinVar (database versions not stated): gnomAD 0.00003.

Submissions (2):

Labcorp Genetics (formerly Invitae), Labcorp
Classification: Uncertain significance for Familial cancer of breast; Fanconi anemia complementation group J. Last evaluated: 2025-12-01. Review status: criteria provided, single submitter. Criteria: Invitae Variant Classification Sherloc (09022015). Collection method: clinical testing. Allele origin: germline.
Comment: This sequence change replaces aspartic acid, which is acidic and polar, with asparagine, which is neutral and polar, at codon 1102 of the BRIP1 protein (p.Asp1102Asn). This variant is present in population databases (no rsID available, gnomAD 0.03%). This variant has not been reported in the literature in individuals affected with BRIP1-related conditions. ClinVar contains an entry for this variant (Variation ID: 483151). Invitae Evidence Modeling of protein sequence and biophysical properties (such as structural, functional, and spatial information, amino acid conservation, physicochemical variation, residue mobility, and thermodynamic stability) indicates that this missense variant is not expected to disrupt BRIP1 protein function with a negative predictive value of 95%. In summary, the available evidence is currently insufficient to determine the role of this variant in disease. Therefore, it has been classified as a Variant of Uncertain Significance.

Ambry Genetics
Classification: Uncertain significance for Hereditary cancer-predisposing syndrome. Last evaluated: 2021-05-29. Review status: criteria provided, single submitter. Criteria: Ambry Variant Classification Scheme 2023. Collection method: clinical testing. Allele origin: germline.
Comment: The p.D1102N variant (also known as c.3304G>A), located in coding exon 19 of the BRIP1 gene, results from a G to A substitution at nucleotide position 3304. The aspartic acid at codon 1102 is replaced by asparagine, an amino acid with highly similar properties. This amino acid position is not well conserved in available vertebrate species. In addition, this alteration is predicted to be tolerated by in silico analysis. Since supporting evidence is limited at this time, the clinical significance of this alteration remains unclear.